The following is an entry in ClinVar:

NM_001378778.1(MPDZ):c.2914C>T (p.Pro972Ser)

Gene: MPDZ (multiple PDZ domain crumbs cell polarity complex component; minus strand). Cytogenetic location: 9p23.
Variant type: single nucleotide variant.
Coding change: c.2914C>T on transcript NM_001378778.1 (MANE Select); coding-DNA position 2914, C replaced by T.
Protein change: p.Pro972Ser; replaces proline 972 with serine.
Molecular consequence: missense variant.
Genome position (GRCh38, 1-based): chr9:13,176,153, G>A on the plus strand (C>T on the coding strand, the complement: MPDZ is on the minus strand). VCF-style: chr9-13176153-G-A. GRCh37 (hg19) VCF-style: chr9-13176152-G-A.
Other names: c.2914C>T, p.Pro972Ser (NM_001261406.2, NM_001261407.2, NM_001330637.2 and 14 more transcripts); short protein forms P972S.
Identifiers: ClinVar variation 211512 (VCV000211512.19), dbSNP rs186662317, ClinGen allele CA206057.

ClinVar aggregate classification (germline): Benign. Review status: criteria provided, multiple submitters, no conflicts (2 of 4 stars). 4 submissions from 4 submitters: Benign (3). 1 of the submissions does not count toward it. Last evaluated 2026-01-15.

Conditions:
MPDZ-related disorder. Also called: MPDZ-related condition.

Allele frequency attached by ClinVar (database versions not stated): gnomAD 0.00048; TOPMed 0.00067; gnomAD exomes 0.00107; ExAC 0.00182; 1000 Genomes Project 30x 0.00219; 1000 Genomes Project 0.00260.
gnomAD v4.1: 484 of 1,599,220 alleles (0.03%); highest among the groups gnomAD compares: East Asian, 0.98%; 2 homozygotes.

Submissions (4):

Labcorp Genetics (formerly Invitae), Labcorp
Classification: Benign. Last evaluated: 2026-01-15. Review status: criteria provided, single submitter. Criteria: Invitae Variant Classification Sherloc (09022015). Collection method: clinical testing. Allele origin: germline.

Genetic Services Laboratory, University of Chicago
Classification: Benign. Last evaluated: 2017-02-17. Review status: criteria provided, single submitter. Criteria: ACMG Guidelines, 2015. Collection method: clinical testing. Allele origin: germline. Affected: no.

Breakthrough Genomics
Classification: Benign. Review status: criteria provided, single submitter. Criteria: ACMG Guidelines, 2015. Collection method: not provided. Allele origin: germline. Inheritance: Autosomal recessive inheritance. Affected: yes.

PreventionGenetics, part of Exact Sciences
Classification: Likely benign for MPDZ-related condition. Last evaluated: 2024-06-03. Review status: no assertion criteria provided. Collection method: clinical testing. Allele origin: germline. Not counted in ClinVar's aggregate classification.
Comment: This variant is classified as likely benign based on ACMG/AMP sequence variant interpretation guidelines (Richards et al. 2015 PMID: 25741868, with internal and published modifications).